The following is an entry in ClinVar:

NM_005188.4(CBL):c.287G>A (p.Arg96His)

Gene: CBL (Cbl proto-oncogene; plus strand). Cytogenetic location: 11q23.3.
Variant type: single nucleotide variant.
Coding change: c.287G>A on transcript NM_005188.4 (MANE Select); coding-DNA position 287, G replaced by A.
Protein change: p.Arg96His; replaces arginine 96 with histidine.
Molecular consequence: missense variant.
Genome position (GRCh38, 1-based): chr11:119,232,539, G>A. VCF-style: chr11-119232539-G-A. GRCh37 (hg19) VCF-style: chr11-119103249-G-A.
Other names: c.287G>A (NM_005188.2); short protein forms R96H.
Identifiers: ClinVar variation 1928956 (VCV001928956.6), dbSNP rs781738309, ClinGen allele CA6318252.
Genomic context (GRCh38, chr11:119,232,539, plus strand): 5'-CGCTAAAGAATAGCCCACCTTATATCTTAGACCTGCTACCAGATACCTACCAGCATCTCC[G>A]TACTATCTTGTCAAGATATGAGGGGAAGATGGAGACACTTGGAGAAAATGAGTATTTTAG-3'
Protein context (NP_005179.2, residues 86-106): DLLPDTYQHL[Arg96His]TILSRYEGKM

ClinVar aggregate classification (germline): Uncertain significance. Review status: criteria provided, multiple submitters, no conflicts (2 of 4 stars). 2 submissions from 2 submitters: Uncertain significance (2). Last evaluated 2026-01-31.

Conditions:
RASopathy. Also called: Noonan spectrum disorder; rasopathies. Identifiers: Orphanet 536391, MedGen C5555857, MONDO:0021060.

Allele frequency attached by ClinVar (database versions not stated): ExAC 0.00001; gnomAD 0.00001; TOPMed 0.00001.
gnomAD v4.1: 15 of 1,613,804 alleles (0.00093%); highest among the groups gnomAD compares: East Asian, 0.0022%; no homozygotes.

Submissions (2):

Labcorp Genetics (formerly Invitae), Labcorp
Classification: Uncertain significance for RASopathy. Last evaluated: 2026-01-31. Review status: criteria provided, single submitter. Criteria: Invitae Variant Classification Sherloc (09022015). Collection method: clinical testing. Allele origin: germline.
Comment: This sequence change replaces arginine, which is basic and polar, with histidine, which is basic and polar, at codon 96 of the CBL protein (p.Arg96His). This variant is present in population databases (rs781738309, gnomAD 0.003%). This variant has not been reported in the literature in individuals affected with CBL-related conditions. ClinVar contains an entry for this variant (Variation ID: 1928956). Invitae Evidence Modeling of protein sequence and biophysical properties (such as structural, functional, and spatial information, amino acid conservation, physicochemical variation, residue mobility, and thermodynamic stability) indicates that this missense variant is not expected to disrupt CBL protein function with a negative predictive value of 95%. In summary, the available evidence is currently insufficient to determine the role of this variant in disease. Therefore, it has been classified as a Variant of Uncertain Significance.

GeneDx
Classification: Uncertain significance. Last evaluated: 2023-07-28. Review status: criteria provided, single submitter. Criteria: GeneDx Variant Classification Process June 2021. Collection method: clinical testing. Allele origin: germline. Affected: yes.
Comment: Identified in a patient with polycythemia who harbored additional variants in other genes (Khurana et al., 2023); In silico analysis supports that this missense variant has a deleterious effect on protein structure/function; This variant is associated with the following publications: (PMID: 18034775, 20619386, 37428608)